The following is an entry in ClinVar:

NM_020987.5(ANK3):c.1419A>G (p.Ala473=)

Gene: ANK3 (ankyrin 3; minus strand). Cytogenetic location: 10q21.2.
Variant type: single nucleotide variant.
Coding change: c.1419A>G on transcript NM_020987.5 (MANE Select); coding-DNA position 1419, A replaced by G.
Protein change: p.Ala473=; no amino-acid change (alanine 473 retained).
Molecular consequence: synonymous variant.
Genome position (GRCh38, 1-based): chr10:60,200,201, T>C on the plus strand (A>G on the coding strand, the complement: ANK3 is on the minus strand). VCF-style: chr10-60200201-T-C. GRCh37 (hg19) VCF-style: chr10-61959959-T-C.
Other names: c.1401A>G, p.Ala467= (NM_001204403.2); c.1368A>G, p.Ala456= (NM_001204404.2); c.1419A>G, p.Ala473= (NM_001320874.2).
Identifiers: ClinVar variation 2640502 (VCV002640502.22), dbSNP rs2493386164, ClinGen allele CA469843584.

ClinVar aggregate classification (germline): Likely benign (1 of 4 stars; one submission).

Submission:

CeGaT Center for Human Genetics Tuebingen
Classification: Likely benign. Last evaluated: 2023-04-01. Review status: criteria provided, single submitter. Criteria: CeGaT Center For Human Genetics Tuebingen Variant Classification Criteria Version 2. Collection method: clinical testing. Allele origin: germline. Affected: yes. Observed: 1 variant allele.
Comment: ANK3: PM2:Supporting, BP4, BP7